The following is an entry in ClinVar:

NM_000297.4(PKD2):c.2117A>T (p.Lys706Met)

Gene: PKD2 (polycystin 2, transient receptor potential cation channel; plus strand). Cytogenetic location: 4q22.1.
Variant type: single nucleotide variant.
Coding change: c.2117A>T on transcript NM_000297.4 (MANE Select); coding-DNA position 2117, A replaced by T.
Protein change: p.Lys706Met; replaces lysine 706 with methionine.
Molecular consequence: missense variant. On other transcripts: non-coding transcript variant (1).
Genome position (GRCh38, 1-based): chr4:88,062,003, A>T. VCF-style: chr4-88062003-A-T. GRCh37 (hg19) VCF-style: chr4-88983155-A-T.
Other names: short protein forms K706M.
Identifiers: ClinVar variation 3242054 (VCV003242054.1), dbSNP rs758660698.

ClinVar aggregate classification (germline): Uncertain significance (1 of 4 stars; one submission).

Conditions:
Polycystic kidney disease 2 (PKD2). Also called: Polycystic Kidney Disease 2, Autosomal Dominant; POLYCYSTIC KIDNEY DISEASE 2 WITH OR WITHOUT POLYCYSTIC LIVER DISEASE; POLYCYSTIC KIDNEY DISEASE, ADULT, TYPE II. Identifiers: MedGen C2751306, MONDO:0013131, OMIM 613095.

Allele frequency attached by ClinVar (database versions not stated): gnomAD exomes below 0.00001; ExAC 0.00002.
gnomAD v4.1: 2 of 1,443,390 alleles (0.00014%); highest among the groups gnomAD compares: South Asian, 0.0023%; no homozygotes.

Submission:

Neuberg Centre For Genomic Medicine, NCGM
Classification: Uncertain significance for Polycystic kidney disease 2. Review status: criteria provided, single submitter. Criteria: ACMG Guidelines, 2015. Collection method: clinical testing. Allele origin: germline. Inheritance: Autosomal dominant inheritance. Affected: yes.
Comment: The observed missense, splice region variant c.2117A>T(p.Lys706Met) in PKD2 gene has not been reported previously as a pathogenic variant nor as a benign variant, to our knowledge. The c.2117A>T variant is reported with 0.0001% allele frequency in gnomAD Exomes. The amino acid Lysine at position 706 is changed to a Methionine changing protein sequence and it might alter its composition and physico-chemical properties. The variant is predicted to be damaging by SIFT. The amino acid change p.Lys706Met in PKD2 is predicted as conserved by GERP++ and PhyloP across 100 vertebrates. For these reasons, this variant has been classified as Uncertain Significance.